The following is an entry in ClinVar:

NM_000038.6(APC):c.4249A>G (p.Ile1417Val)

Gene: APC (APC regulator of Wnt signaling pathway; plus strand). Cytogenetic location: 5q22.2.
Variant type: single nucleotide variant.
Coding change: c.4249A>G on transcript NM_000038.6 (MANE Select); coding-DNA position 4249, A replaced by G.
Protein change: p.Ile1417Val; replaces isoleucine 1417 with valine.
Molecular consequence: missense variant.
Genome position (GRCh38, 1-based): chr5:112,839,843, A>G. VCF-style: chr5-112839843-A-G. GRCh37 (hg19) VCF-style: chr5-112175540-A-G.
Other names: c.4249A>G, p.Ile1417Val (NM_001127510.3, NM_001354895.2); c.4195A>G, p.Ile1399Val (NM_001127511.3); c.4303A>G, p.Ile1435Val (NM_001354896.2); c.4279A>G, p.Ile1427Val (NM_001354897.2); c.4174A>G, p.Ile1392Val (NM_001354898.2); c.4165A>G, p.Ile1389Val (NM_001354899.2); c.4126A>G, p.Ile1376Val (NM_001354900.2); c.4072A>G, p.Ile1358Val (NM_001354901.2); and 5 more; short protein forms I1417V, I1399V, I1392V, I1427V, I1291V, I1316V, I1257V, I1358V.
Identifiers: ClinVar variation 629069 (VCV000629069.4), dbSNP rs200166878, ClinGen allele CA16030639.
Genomic context (GRCh38, chr5:112,839,843, plus strand): 5'-GAGAGTCGTTCGATTGCCAGCTCCGTTCAGAGTGAACCATGCAGTGGAATGGTAAGTGGC[A>G]TTATAAGCCCCAGTGATCTTCCAGATAGCCCTGGACAAACCATGCCACCAAGCAGAAGTA-3'
Protein context (NP_000029.2, residues 1407-1427): SEPCSGMVSG[Ile1417Val]ISPSDLPDSP

ClinVar aggregate classification (germline): Uncertain significance. Review status: criteria provided, multiple submitters, no conflicts (2 of 4 stars). 2 submissions from 2 submitters: Uncertain significance (2). Last evaluated 2025-06-29.

Conditions:
Hereditary cancer-predisposing syndrome. Also called: Neoplastic Syndromes, Hereditary; Tumor predisposition; Hereditary neoplastic syndrome; Hereditary Cancer Syndrome. Identifiers: Orphanet 140162, MedGen C0027672, MeSH D009386, MONDO:0015356.
Familial adenomatous polyposis 1 (FAP1). Also called: POLYPOSIS, ADENOMATOUS INTESTINAL; FAMILIAL ADENOMATOUS POLYPOSIS 1, ATTENUATED. Identifiers: MedGen C2713442, MONDO:0021056, OMIM 175100. Disease mechanism: loss of function.

gnomAD v4.1: 1 of 1,614,116 alleles (0.000062%); highest among the groups gnomAD compares: Admixed American, 0.0017%; no homozygotes.

Submissions (2):

Labcorp Genetics (formerly Invitae), Labcorp
Classification: Uncertain significance for Familial adenomatous polyposis 1. Last evaluated: 2025-06-29. Review status: criteria provided, single submitter. Criteria: Invitae Variant Classification Sherloc (09022015). Collection method: clinical testing. Allele origin: germline.
Comment: This sequence change replaces isoleucine, which is neutral and non-polar, with valine, which is neutral and non-polar, at codon 1417 of the APC protein (p.Ile1417Val). This variant is not present in population databases (gnomAD no frequency). This variant has not been reported in the literature in individuals affected with APC-related conditions. ClinVar contains an entry for this variant (Variation ID: 629069). Invitae Evidence Modeling of protein sequence and biophysical properties (such as structural, functional, and spatial information, amino acid conservation, physicochemical variation, residue mobility, and thermodynamic stability) indicates that this missense variant is not expected to disrupt APC protein function with a negative predictive value of 95%. In summary, the available evidence is currently insufficient to determine the role of this variant in disease. Therefore, it has been classified as a Variant of Uncertain Significance.

Color Diagnostics, LLC DBA Color Health
Classification: Uncertain significance for Hereditary cancer-predisposing syndrome. Last evaluated: 2019-02-23. Review status: criteria provided, single submitter. Criteria: ACMG Guidelines, 2015. Collection method: clinical testing. Allele origin: germline.